The following is an entry in ClinVar:

ClinVar aggregate classification (germline): Pathogenic (1 of 4 stars; one submission).

Conditions:
Combined immunodeficiency due to LRBA deficiency. Also called: Common variable immunodeficiency 8, with autoimmunity. Identifiers: Orphanet 445018, MedGen C3553512, MONDO:0013863, OMIM 614700.

Submission:

Labcorp Genetics (formerly Invitae), Labcorp
Classification: Pathogenic for Combined immunodeficiency due to LRBA deficiency. Last evaluated: 2026-01-08. Review status: criteria provided, single submitter. Criteria: Invitae Variant Classification Sherloc (09022015). Collection method: clinical testing. Allele origin: germline.
Comment: This sequence change creates a premature translational stop signal (p.Phe70*) in the LRBA gene. It is expected to result in an absent or disrupted protein product. Loss-of-function variants in LRBA are known to be pathogenic (PMID: 26206937, 26768763). This variant is not present in population databases (gnomAD no frequency). This variant has not been reported in the literature in individuals affected with LRBA-related conditions. Algorithms developed to predict the effect of sequence changes on RNA splicing suggest that this variant may disrupt the consensus splice site. For these reasons, this variant has been classified as Pathogenic.

Literature cited by the submitters: PubMed 26206937; PubMed 26768763.

NM_001364905.1(LRBA):c.209_210del (p.Val69_Phe70insTer)

Gene: LRBA (LPS responsive beige-like anchor protein; minus strand). Cytogenetic location: 4q31.3.
Variant type: Deletion.
Coding change: c.209_210del on transcript NM_001364905.1 (MANE Select); coding-DNA positions 209 to 210, 2 bases deleted (TT; older notation c.209_210delTT).
Protein change: p.Val69_Phe70insTer.
Molecular consequence: nonsense.
Genome position (GRCh38, 1-based): chr4:151,014,433-151,014,434, AA deleted on the plus strand (TT on the coding strand, the reverse complement: LRBA is on the minus strand); deleting any 2 consecutive bases within chr4:151,014,433-151,014,435 gives the same sequence; the c. name uses the placement nearest the transcript's 3' end. VCF-style (leftmost placement, unchanged base first): chr4-151014432-TAA-T. GRCh37 (hg19) VCF-style: chr4-151935584-TAA-T.
Other names: c.209_210del, p.Val69_Phe70insTer (NM_001199282.3, NM_001367550.1, NM_001440430.1 and 2 more transcripts).
Identifiers: ClinVar variation 4734914 (VCV004734914.1).